The following is an entry in ClinVar:

NM_018417.6(ADCY10):c.2430del (p.Ser810_Leu811insTer)

Gene: ADCY10 (adenylate cyclase 10; minus strand). Cytogenetic location: 1q24.2.
Variant type: Deletion.
Coding change: c.2430del on transcript NM_018417.6 (MANE Select); coding-DNA position 2430, one base deleted (A; older notation c.2430delA).
Protein change: p.Ser810_Leu811insTer.
Molecular consequence: frameshift variant.
Genome position (GRCh38, 1-based): chr1:167,848,368, T deleted on the plus strand (A on the coding strand, the reverse complement: ADCY10 is on the minus strand). VCF-style (leftmost placement, unchanged base first): chr1-167848367-AT-A. GRCh37 (hg19) VCF-style: chr1-167817605-AT-A.
Other names: c.1971del, p.Ser657_Leu658insTer (NM_001167749.3); c.2154del, p.Ser718_Leu719insTer (NM_001297772.2).
Identifiers: ClinVar variation 3236142 (VCV003236142.1), dbSNP rs754094260, ClinGen allele CA1227640.
Genomic context (GRCh38, chr1:167,848,367, plus strand): 5'-CCAAAGTGCTGGGATTACAGGCGTGAGCCACTGCGCCCGGCCAGATTTTCTTACCTTTTA[AT>A]GACGTTGGAGGTGACAGGTTTTTCAGTCTGACACCACTTGTGAGGTGACAGACTTCTTCA-3'

ClinVar aggregate classification (germline): Likely pathogenic (1 of 4 stars; one submission).

Conditions:
Familial idiopathic hypercalciuria (HCA2). Also called: Hypercalciuria, absorptive, susceptibility to; Hypercalciuria, absorptive, 2. Identifiers: MedGen C0342639, MONDO:0007748, OMIM 143870.

Allele frequency attached by ClinVar (database versions not stated): gnomAD exomes below 0.00001; ExAC 0.00001.

Submission:

MVZ Medizinische Genetik Mainz
Classification: Likely pathogenic for Familial idiopathic hypercalciuria. Last evaluated: 2023-10-31. Review status: criteria provided, single submitter. Criteria: UK Practice Guidelines For Variant Classification V4 01 2020. Collection method: clinical testing. Allele origin: germline. Inheritance: Autosomal dominant inheritance. Affected: yes. Observed: 1 variant allele.
Comment: ACMG Criteria: PVS1_STR,PM2_SUP,PP4